The following is an entry in ClinVar:

NM_001332.4(CTNND2):c.2689C>T (p.Leu897Phe)

Gene: CTNND2 (catenin delta 2; minus strand). Cytogenetic location: 5p15.2.
Variant type: single nucleotide variant.
Coding change: c.2689C>T on transcript NM_001332.4 (MANE Select); coding-DNA position 2689, C replaced by T.
Protein change: p.Leu897Phe; replaces leucine 897 with phenylalanine.
Molecular consequence: missense variant. On other transcripts: non-coding transcript variant (1).
Genome position (GRCh38, 1-based): chr5:11,082,795, G>A on the plus strand (C>T on the coding strand, the complement: CTNND2 is on the minus strand). VCF-style: chr5-11082795-G-A. GRCh37 (hg19) VCF-style: chr5-11082907-G-A.
Other names: c.2416C>T, p.Leu806Phe (NM_001288715.1); c.1678C>T, p.Leu560Phe (NM_001288716.1); c.1390C>T, p.Leu464Phe (NM_001288717.2); c.1753C>T, p.Leu585Phe (NM_001364128.2); short protein forms L560F, L464F, L806F, L897F, L585F.
Identifiers: ClinVar variation 3078692 (VCV003078692.1), dbSNP rs760357729, ClinGen allele CA114359365.
Genomic context (GRCh38, chr5:11,082,795, plus strand): 5'-GCAGCGCAGTGGCCACCGCGCACACCACACGGTCATTGTCTATTCGGAGCAGCTCCACGA[G>A]GATGGGCAGGCCTTTCTCTTTTCGGACAGCGGCTCGGATATATACTGACCACTGCAAAAA-3'
Protein context (NP_001323.1, residues 887-907): AVRKEKGLPI[Leu897Phe]VELLRIDNDR

ClinVar aggregate classification (germline): Uncertain significance (1 of 4 stars; one submission).

Conditions:
Inborn genetic diseases. Identifiers: MedGen C0950123, MeSH D030342.

Allele frequency attached by ClinVar (database versions not stated): TOPMed below 0.00001; gnomAD 0.00001.
gnomAD v4.1: 1 of 1,614,058 alleles (0.000062%); highest among the groups gnomAD compares: East Asian, 0.0022%; no homozygotes.

Submission:

Ambry Genetics
Classification: Uncertain significance for Inborn genetic diseases. Last evaluated: 2024-02-13. Review status: criteria provided, single submitter. Criteria: Ambry Variant Classification Scheme 2023. Collection method: clinical testing. Allele origin: germline.
Comment: The c.2689C>T (p.L897F) alteration is located in exon 16 (coding exon 16) of the CTNND2 gene. This alteration results from a C to T substitution at nucleotide position 2689, causing the leucine (L) at amino acid position 897 to be replaced by a phenylalanine (F). This variant was not reported in population-based cohorts in the Genome Aggregation Database (gnomAD). This amino acid position is highly conserved in available vertebrate species. This alteration is predicted to be deleterious by in silico analysis. Based on insufficient or conflicting evidence, the clinical significance of this alteration remains unclear.